The following is an entry in ClinVar:

NM_014681.6(DHX34):c.2898GGA[7] (p.Glu971dup)

Gene: DHX34 (DExH-box helicase 34; plus strand). Cytogenetic location: 19q13.32.
Variant type: Microsatellite.
Coding change: c.2898GGA[7] on transcript NM_014681.6 (MANE Select); seven copies in a row of the 3-base unit GGA starting at c.2898; the reference has six copies in a row; one copy, 3 bases duplicated.
Protein change: p.Glu971dup; duplicates glutamic acid 971.
Molecular consequence: inframe insertion.
Genome position (GRCh38, 1-based): chr19:47,379,916-47,379,918, GGA duplicated; duplicating any 3 consecutive bases within chr19:47,379,901-47,379,918 gives the same sequence; the position shown is the placement nearest the transcript's 3' end. VCF-style (leftmost placement, unchanged base first): chr19-47379900-T-TGGA. GRCh37 (hg19) VCF-style: chr19-47883157-T-TGGA.
Identifiers: ClinVar variation 717090 (VCV000717090.6), dbSNP rs533574046, ClinGen allele CA9538742.
Genomic context (GRCh38, chr19:47,379,900, plus strand): 5'-TCCGTGCCCGCTGGGAAAGTGCCCTGGACCGGCAGCTGGCGCACCAGGCCCAGCAGCAGC[T>TGGA]GGAGGAGGAGGAGGAGGATACGCCAGTCAGCCCCAAGGAGGTGGCCACCCTGAGCAAGGA-3'

ClinVar aggregate classification (germline): Benign. Review status: criteria provided, single submitter (1 of 4 stars). 2 submissions from 2 submitters: Benign (1). 1 of the submissions does not count toward it. Last evaluated 2019-12-31.

Conditions:
DHX34-related disorder. Also called: DHX34-related condition.

Submissions (2):

Labcorp Genetics (formerly Invitae), Labcorp
Classification: Benign. Last evaluated: 2019-12-31. Review status: criteria provided, single submitter. Criteria: Invitae Variant Classification Sherloc (09022015). Collection method: clinical testing. Allele origin: germline.

PreventionGenetics, part of Exact Sciences
Classification: Benign for DHX34-related condition. Last evaluated: 2019-11-25. Review status: no assertion criteria provided. Collection method: clinical testing. Allele origin: germline. Not counted in ClinVar's aggregate classification.
Comment: This variant is classified as benign based on ACMG/AMP sequence variant interpretation guidelines (Richards et al. 2015 PMID: 25741868, with internal and published modifications).